The following is an entry in ClinVar:

NM_021098.3(CACNA1H):c.1220C>T (p.Ser407Phe)

Gene: CACNA1H (calcium voltage-gated channel subunit alpha1 H; plus strand). Cytogenetic location: 16p13.3.
Variant type: single nucleotide variant.
Coding change: c.1220C>T on transcript NM_021098.3 (MANE Select); coding-DNA position 1220, C replaced by T.
Protein change: p.Ser407Phe; replaces serine 407 with phenylalanine.
Molecular consequence: missense variant.
Genome position (GRCh38, 1-based): chr16:1,201,670, C>T. VCF-style: chr16-1201670-C-T. GRCh37 (hg19) VCF-style: chr16-1251670-C-T.
Other names: c.1220C>T, p.Ser407Phe (NM_001005407.2); short protein forms S407F.
Identifiers: ClinVar variation 1214050 (VCV001214050.3), dbSNP rs1326944134, ClinGen allele CA394159518.

ClinVar aggregate classification (germline): Uncertain significance (1 of 4 stars; one submission).

Allele frequency attached by ClinVar (database versions not stated): gnomAD exomes below 0.00001.
gnomAD v4.1: 1 of 1,597,176 alleles (0.000063%); highest among the groups gnomAD compares: Non-Finnish European, 0.000085%; no homozygotes.

Submission:

GeneDx
Classification: Uncertain significance. Last evaluated: 2020-02-13. Review status: criteria provided, single submitter. Criteria: GeneDx Variant Classification Process June 2021. Collection method: clinical testing. Allele origin: germline. Affected: yes.
Comment: Not observed in large population cohorts (Lek et al., 2016); In silico analysis supports that this missense variant has a deleterious effect on protein structure/function; Has not been previously published as pathogenic or benign to our knowledge